The following is an entry in ClinVar:

NM_001111.5(ADAR):c.2349A>G (p.Glu783=)

Gene: ADAR (adenosine deaminase RNA specific; minus strand). Cytogenetic location: 1q21.3.
Variant type: single nucleotide variant.
Coding change: c.2349A>G on transcript NM_001111.5 (MANE Select); coding-DNA position 2349, A replaced by G.
Protein change: p.Glu783=; no amino-acid change (glutamic acid 783 retained).
Molecular consequence: synonymous variant.
Genome position (GRCh38, 1-based): chr1:154,590,331, T>C on the plus strand (A>G on the coding strand, the complement: ADAR is on the minus strand). VCF-style: chr1-154590331-T-C. GRCh37 (hg19) VCF-style: chr1-154562807-T-C.
Other names: c.1464A>G, p.Glu488= (NM_001025107.3, NM_001193495.2, NM_001365046.1 and 3 more transcripts); c.2376A>G, p.Glu792= (NM_001365045.1); c.2349A>G, p.Glu783= (NM_015840.4); c.2292A>G, p.Glu764= (NM_015841.4).
Identifiers: ClinVar variation 706403 (VCV000706403.13), dbSNP rs77988942, ClinGen allele CA1131312.

ClinVar aggregate classification (germline): Likely benign. Review status: criteria provided, multiple submitters, no conflicts (2 of 4 stars). 3 submissions from 3 submitters: Likely benign (2). 1 of the submissions does not count toward it. Last evaluated 2026-01-28.

Conditions:
Aicardi-Goutieres syndrome 6 (AGS6). Identifiers: Orphanet 51, MedGen C3539013, MONDO:0014007, OMIM 615010.
Symmetrical dyschromatosis of extremities (DSH). Also called: SYMMETRIC DYSCHROMATOSIS OF THE EXTREMITIES; Dyschromatosis symmetrica hereditaria; DYSCHROMATOSIS SYMMETRICA HEREDITARIA 1; RETICULATE ACROPIGMENTATION OF DOHI. Identifiers: Orphanet 41, MedGen C0406775, MONDO:0007483, OMIM 127400.
ADAR-related disorder. Also called: ADAR-related disorders; ADAR-related condition.

Allele frequency attached by ClinVar (database versions not stated): gnomAD exomes 0.00003 and 0.00009; ExAC 0.00013; gnomAD 0.00033; TOPMed 0.00039; ESP Exome Variant Server 0.00054; 1000 Genomes Project 0.00100; 1000 Genomes Project 30x 0.00109.
gnomAD v4.1: 98 of 1,614,130 alleles (0.0061%); highest among the groups gnomAD compares: African/African-American, 0.12%; no homozygotes.

Submissions (3):

Labcorp Genetics (formerly Invitae), Labcorp
Classification: Likely benign for Aicardi-Goutieres syndrome 6; Symmetrical dyschromatosis of extremities. Last evaluated: 2026-01-28. Review status: criteria provided, single submitter. Criteria: Invitae Variant Classification Sherloc (09022015). Collection method: clinical testing. Allele origin: germline.

Blueprint Genetics
Classification: Likely benign. Last evaluated: 2024-03-08. Review status: criteria provided, single submitter. Criteria: ACMG Guidelines, 2015. Collection method: clinical testing. Allele origin: germline.

PreventionGenetics, part of Exact Sciences
Classification: Likely benign for ADAR-related condition. Last evaluated: 2023-10-18. Review status: no assertion criteria provided. Collection method: clinical testing. Allele origin: germline. Not counted in ClinVar's aggregate classification.
Comment: This variant is classified as likely benign based on ACMG/AMP sequence variant interpretation guidelines (Richards et al. 2015 PMID: 25741868, with internal and published modifications).